The following is an entry in ClinVar:

ClinVar aggregate classification (germline): Likely benign (1 of 4 stars; one submission).

Submission:

CeGaT Center for Human Genetics Tuebingen
Classification: Likely benign. Last evaluated: 2024-07-01. Review status: criteria provided, single submitter. Criteria: CeGaT Center For Human Genetics Tuebingen Variant Classification Criteria Version 2. Collection method: clinical testing. Allele origin: germline. Affected: yes. Observed: 1 variant allele.
Comment: DNM1L: PM2:Supporting, BP4, BP7

NM_012062.5(DNM1L):c.1521A>C (p.Leu507=)

Gene: DNM1L (dynamin 1L; plus strand). Cytogenetic location: 12p11.21.
Variant type: single nucleotide variant.
Coding change: c.1521A>C on transcript NM_012062.5 (MANE Select); coding-DNA position 1521, A replaced by C.
Protein change: p.Leu507=; no amino-acid change (leucine 507 retained).
Molecular consequence: synonymous variant.
Genome position (GRCh38, 1-based): chr12:32,733,789, A>C. VCF-style: chr12-32733789-A-C. GRCh37 (hg19) VCF-style: chr12-32886723-A-C.
Other names: c.1521A>C, p.Leu507= (NM_001278463.2, NM_005690.5, NM_012063.4); c.1560A>C, p.Leu520= (NM_001278464.2, NM_001278465.2, NM_001330380.2); c.912A>C, p.Leu304= (NM_001278466.2).
Identifiers: ClinVar variation 3251218 (VCV003251218.18), dbSNP rs2541091723.
Genomic context (GRCh38, chr12:32,733,789, plus strand): 5'-GGCAATTGAACTGGCTTATATCAACACAAAACATCCAGACTTTGCTGATGCTTGTGGGCT[A>C]ATGAACAATAATATAGAGGTAAATATAATTCTTAAATGCTTTTTCACAGGTAGAAAAATC-3'
Protein context (NP_036192.2, residues 497-517): KHPDFADACG[Leu507=]MNNNIEEQRR